The following is an entry in ClinVar:

ClinVar aggregate classification (germline): Uncertain significance. Review status: criteria provided, multiple submitters, no conflicts (2 of 4 stars). 2 submissions from 2 submitters: Uncertain significance (2). Last evaluated 2024-05-29.

Conditions:
Inborn genetic diseases. Identifiers: MedGen C0950123, MeSH D030342.

Allele frequency attached by ClinVar (database versions not stated): ExAC 0.00001; gnomAD 0.00001; TOPMed 0.00002; gnomAD exomes 0.00004.
gnomAD v4.1: 57 of 1,613,622 alleles (0.0035%); highest among the groups gnomAD compares: East Asian, 0.0089%; no homozygotes.

Submissions (2):

Labcorp Genetics (formerly Invitae), Labcorp
Classification: Uncertain significance. Last evaluated: 2024-05-29. Review status: criteria provided, single submitter. Criteria: Invitae Variant Classification Sherloc (09022015). Collection method: clinical testing. Allele origin: germline.
Comment: This sequence change replaces glycine, which is neutral and non-polar, with serine, which is neutral and polar, at codon 1313 of the AHDC1 protein (p.Gly1313Ser). This variant is present in population databases (rs767395957, gnomAD 0.01%). This variant has not been reported in the literature in individuals affected with AHDC1-related conditions. ClinVar contains an entry for this variant (Variation ID: 2523667). An algorithm developed to predict the effect of missense changes on protein structure and function (PolyPhen-2) suggests that this variant is likely to be disruptive. In summary, the available evidence is currently insufficient to determine the role of this variant in disease. Therefore, it has been classified as a Variant of Uncertain Significance.

Ambry Genetics
Classification: Uncertain significance for Inborn genetic diseases. Last evaluated: 2023-04-07. Review status: criteria provided, single submitter. Criteria: Ambry Variant Classification Scheme 2023. Collection method: clinical testing. Allele origin: germline.

NM_001371928.1(AHDC1):c.3937G>A (p.Gly1313Ser)

Gene: AHDC1 (AT-hook DNA binding motif containing 1; minus strand). Cytogenetic location: 1p36.11.
Variant type: single nucleotide variant.
Coding change: c.3937G>A on transcript NM_001371928.1 (MANE Select); coding-DNA position 3937, G replaced by A.
Protein change: p.Gly1313Ser; replaces glycine 1313 with serine.
Molecular consequence: missense variant.
Genome position (GRCh38, 1-based): chr1:27,548,179, C>T on the plus strand (G>A on the coding strand, the complement: AHDC1 is on the minus strand). VCF-style: chr1-27548179-C-T. GRCh37 (hg19) VCF-style: chr1-27874690-C-T.
Other names: c.3937G>A, p.Gly1313Ser (NM_001029882.3); c.-107G>A (NM_015699.1); short protein forms G1313S.
Identifiers: ClinVar variation 2523667 (VCV002523667.5), dbSNP rs767395957, ClinGen allele CA715461.